The following is an entry in ClinVar:

NM_001001888.4(VCX3B):c.7C>T (p.Pro3Ser)

Gene: VCX3B (variable charge X-linked 3B; plus strand). Cytogenetic location: Xp22.31.
Variant type: single nucleotide variant.
Coding change: c.7C>T on transcript NM_001001888.4 (MANE Select); coding-DNA position 7, C replaced by T.
Protein change: p.Pro3Ser; replaces proline 3 with serine.
Molecular consequence: missense variant.
Genome position (GRCh38, 1-based): chrX:8,465,457, C>T. VCF-style: chrX-8465457-C-T. GRCh37 (hg19) VCF-style: chrX-8433498-C-T.
Other names: c.7C>T (NM_001001888.3); short protein forms P3S.
Identifiers: ClinVar variation 1206080 (VCV001206080.30), dbSNP rs775484942, ClinGen allele CA10343204.

ClinVar aggregate classification (germline): Conflicting classifications of pathogenicity. Review status: criteria provided, conflicting classifications (1 of 4 stars). 5 submissions from 5 submitters: Uncertain significance (2); Likely benign (1). 2 of the submissions do not count toward it. Last evaluated 2022-11-01.

Allele frequency attached by ClinVar (database versions not stated): ExAC 0.00005.

Submissions (5):

CeGaT Center for Human Genetics Tuebingen
Classification: Likely benign. Last evaluated: 2022-11-01. Review status: criteria provided, single submitter. Criteria: CeGaT Center For Human Genetics Tuebingen Variant Classification Criteria Version 2. Collection method: clinical testing. Allele origin: germline. Affected: yes. Observed: 1 variant allele.
Comment: VCX3B: BP4

Ambry Genetics
Classification: Uncertain significance. Last evaluated: 2021-08-17. Review status: criteria provided, single submitter. Criteria: Ambry Variant Classification Scheme 2023. Collection method: clinical testing. Allele origin: germline.

Breakthrough Genomics
Classification: Uncertain significance. Review status: criteria provided, single submitter. Criteria: ACMG Guidelines, 2015. Collection method: not provided. Allele origin: germline. Inheritance: Unknown mechanism. Affected: yes.

Clinical Genetics DNA and cytogenetics Diagnostics Lab, Erasmus MC, Erasmus Medical Center
Classification: Uncertain significance. Review status: no assertion criteria provided. Collection method: clinical testing. Allele origin: germline. Affected: yes. Study: VKGL Data-share Consensus. Not counted in ClinVar's aggregate classification.

Laboratory of Diagnostic Genome Analysis, Leiden University Medical Center (LUMC)
Classification: Uncertain significance. Review status: no assertion criteria provided. Collection method: clinical testing. Allele origin: germline. Affected: yes. Study: VKGL Data-share Consensus. Not counted in ClinVar's aggregate classification.